The following is an entry in ClinVar:

ClinVar aggregate classification (germline): Conflicting classifications of pathogenicity. Review status: criteria provided, conflicting classifications (1 of 4 stars). 5 submissions from 5 submitters: Uncertain significance (3); Likely benign (2). Last evaluated 2025-04-09.

Conditions:
Cardiomyopathy (CMYO). Also called: Cardiomyopathies. Identifiers: Orphanet 167848, MedGen C0878544, MONDO:0004994, HP:0001638. Inheritance: Various modes of inheritance.
Cardiovascular phenotype. Identifiers: MedGen CN230736.
Hypertrophic cardiomyopathy. Also called: HYPERTROPHIC MYOCARDIOPATHY. Identifiers: Orphanet 217569, MedGen C0007194, MeSH D002312, MONDO:0005045, HP:0001639.

Allele frequency attached by ClinVar (database versions not stated): gnomAD exomes below 0.00001.
gnomAD v4.1: 2 of 1,574,618 alleles (0.00013%); highest among the groups gnomAD compares: East Asian, 0.0023%; no homozygotes.

Submissions (5):

Molecular Diagnostic Laboratory for Inherited Cardiovascular Disease, Montreal Heart Institute
Classification: Uncertain significance for Cardiovascular phenotype. Last evaluated: 2025-04-09. Review status: criteria provided, single submitter. Criteria: ACMG Guidelines, 2015. Collection method: clinical testing. Allele origin: germline. Affected: yes.

Ambry Genetics
Classification: Uncertain significance for Cardiovascular phenotype. Last evaluated: 2023-11-20. Review status: criteria provided, single submitter. Criteria: Ambry Variant Classification Scheme 2023. Collection method: clinical testing. Allele origin: germline.
Comment: The c.851+5C>T intronic variant results from a C to T substitution 5 nucleotides after coding exon 8 in the MYBPC3 gene. This nucleotide position is well conserved in available vertebrate species. In silico splice site analysis for this alteration is inconclusive. Since supporting evidence is limited at this time, the clinical significance of this alteration remains unclear.

Labcorp Genetics (formerly Invitae), Labcorp
Classification: Uncertain significance for Hypertrophic cardiomyopathy. Last evaluated: 2023-07-14. Review status: criteria provided, single submitter. Criteria: Invitae Variant Classification Sherloc (09022015). Collection method: clinical testing. Allele origin: germline.
Comment: In summary, the available evidence is currently insufficient to determine the role of this variant in disease. Therefore, it has been classified as a Variant of Uncertain Significance. Variants that disrupt the consensus splice site are a relatively common cause of aberrant splicing (PMID: 17576681, 9536098). Algorithms developed to predict the effect of sequence changes on RNA splicing suggest that this variant is not likely to affect RNA splicing. This variant has not been reported in the literature in individuals affected with MYBPC3-related conditions. This variant is present in population databases (rs768364752, gnomAD no frequency). This sequence change falls in intron 8 of the MYBPC3 gene. It does not directly change the encoded amino acid sequence of the MYBPC3 protein. It affects a nucleotide within the consensus splice site.

All of Us Research Program, National Institutes of Health
Classification: Likely benign for Hypertrophic cardiomyopathy. Last evaluated: 2023-06-26. Review status: criteria provided, single submitter. Criteria: ACMG Guidelines, 2015. Collection method: clinical testing. Allele origin: germline. Inheritance: Autosomal dominant inheritance. Observed: 1 variant allele, 1 heterozygote.
Comment: This study involves interpretation of variants in research participants for the purpose of population health screening. Participant phenotype was not available at the time of variant classification. Additional details can be found in publication PMID: 35346344, PMCID: PMC8962531

Color Diagnostics, LLC DBA Color Health
Classification: Likely benign for Cardiomyopathy. Last evaluated: 2022-11-29. Review status: criteria provided, single submitter. Criteria: ACMG Guidelines, 2015. Collection method: clinical testing. Allele origin: germline.

Literature cited by the submitters: PubMed 17576681 (cited by Labcorp Genetics (formerly Invitae), Labcorp); PubMed 9536098 (cited by Labcorp Genetics (formerly Invitae), Labcorp).

NM_000256.3(MYBPC3):c.851+5C>T

Gene: MYBPC3 (myosin binding protein C3; minus strand). Cytogenetic location: 11p11.2.
Variant type: single nucleotide variant.
Coding change: c.851+5C>T on transcript NM_000256.3 (MANE Select); 5 bases into the intron after coding-DNA position 851, C replaced by T.
Molecular consequence: intron variant.
Genome position (GRCh38, 1-based): chr11:47,347,646, G>A on the plus strand (C>T on the coding strand, the complement: MYBPC3 is on the minus strand). VCF-style: chr11-47347646-G-A. GRCh37 (hg19) VCF-style: chr11-47369197-G-A.
Identifiers: ClinVar variation 2773763 (VCV002773763.7), dbSNP rs768364752, ClinGen allele CA057120.